The following is an entry in ClinVar:

ClinVar aggregate classification (germline): Uncertain significance (1 of 4 stars; one submission).

Allele frequency attached by ClinVar (database versions not stated): TOPMed below 0.00001; gnomAD 0.00001.
gnomAD v4.1: 9 of 1,613,842 alleles (0.00056%); highest among the groups gnomAD compares: Non-Finnish European, 0.00068%; no homozygotes.

Submission:

Labcorp Genetics (formerly Invitae), Labcorp
Classification: Uncertain significance. Last evaluated: 2025-05-01. Review status: criteria provided, single submitter. Criteria: Invitae Variant Classification Sherloc (09022015). Collection method: clinical testing. Allele origin: germline.
Comment: This sequence change replaces cysteine, which is neutral and slightly polar, with tyrosine, which is neutral and polar, at codon 109 of the ESCO2 protein (p.Cys109Tyr). This variant is not present in population databases (gnomAD no frequency). This variant has not been reported in the literature in individuals affected with ESCO2-related conditions. ClinVar contains an entry for this variant (Variation ID: 1964529). An algorithm developed to predict the effect of missense changes on protein structure and function outputs the following: PolyPhen-2: "Benign". The tyrosine amino acid residue is found in multiple mammalian species, which suggests that this missense change does not adversely affect protein function. In summary, the available evidence is currently insufficient to determine the role of this variant in disease. Therefore, it has been classified as a Variant of Uncertain Significance.

NM_001017420.3(ESCO2):c.326G>A (p.Cys109Tyr)

Gene: ESCO2 (establishment of sister chromatid cohesion N-acetyltransferase 2; plus strand). Cytogenetic location: 8p21.1.
Variant type: single nucleotide variant.
Coding change: c.326G>A on transcript NM_001017420.3 (MANE Select); coding-DNA position 326, G replaced by A.
Protein change: p.Cys109Tyr; replaces cysteine 109 with tyrosine.
Molecular consequence: missense variant.
Genome position (GRCh38, 1-based): chr8:27,776,634, G>A. VCF-style: chr8-27776634-G-A. GRCh37 (hg19) VCF-style: chr8-27634151-G-A.
Other names: short protein forms C109Y.
Identifiers: ClinVar variation 1964529 (VCV001964529.3), dbSNP rs1804796917, ClinGen allele CA370817837.
Genomic context (GRCh38, chr8:27,776,634, plus strand): 5'-AAAATAAGTGGTACCTCAATCCACTGGAGAGAAAGCTGATAAAAGAGAGTAGATCTACTT[G>A]TCTAAAAACTAATGATGAAGATAAATCTTTTCCCATTGTGACAGAAAAAATGCAAGGAAA-3'
Protein context (NP_001017420.1, residues 99-119): RKLIKESRST[Cys109Tyr]LKTNDEDKSF